The following is an entry in ClinVar:

ClinVar aggregate classification (germline): Uncertain significance. Review status: criteria provided, multiple submitters, no conflicts (2 of 4 stars). 3 submissions from 3 submitters: Uncertain significance (3). Last evaluated 2026-04-13.

Conditions:
Gastrointestinal stromal tumor. Also called: Gastrointestinal stromal tumor, somatic; Gastrointestinal stroma tumor. Identifiers: Orphanet 44890, MedGen C0238198, MeSH D046152, MONDO:0011719, OMIM 606764, HP:0100723.
Pheochromocytoma/paraganglioma syndrome 3. Also called: GLOMUS TUMORS, FAMILIAL, 3; SDHC-Related Hereditary Paraganglioma-Pheochromocytoma Syndrome; Paragangliomas 3; SDHC-Related Hereditary Paraganglioma-Pheochromocytoma Syndrome (Paragangliomas 3). Identifiers: Orphanet 29072, MedGen C1854336, MONDO:0011544, OMIM 605373.
Hereditary cancer-predisposing syndrome. Also called: Hereditary neoplastic syndrome; Neoplastic Syndromes, Hereditary; Hereditary Cancer Syndrome; Tumor predisposition. Identifiers: Orphanet 140162, MedGen C0027672, MeSH D009386, MONDO:0015356.

gnomAD v4.1: 1 of 1,613,332 alleles (0.000062%); highest among the groups gnomAD compares: South Asian, 0.0011%; no homozygotes.

Submissions (3):

Ambry Genetics
Classification: Uncertain significance for Hereditary cancer-predisposing syndrome. Last evaluated: 2026-04-13. Review status: criteria provided, single submitter. Criteria: Ambry Variant Classification Scheme 2023. Collection method: clinical testing. Allele origin: germline.
Comment: The p.A3E variant (also known as c.8C>A), located in coding exon 1 of the SDHC gene, results from a C to A substitution at nucleotide position 8. The alanine at codon 3 is replaced by glutamic acid, an amino acid with dissimilar properties. This amino acid position is highly conserved in available vertebrate species. In addition, this alteration is predicted to be deleterious by in silico analysis. Based on the available evidence, the clinical significance of this variant remains unclear.

Labcorp Genetics (formerly Invitae), Labcorp
Classification: Uncertain significance for Pheochromocytoma/paraganglioma syndrome 3; Gastrointestinal stromal tumor. Last evaluated: 2025-11-05. Review status: criteria provided, single submitter. Criteria: Invitae Variant Classification Sherloc (09022015). Collection method: clinical testing. Allele origin: germline.
Comment: This sequence change replaces alanine, which is neutral and non-polar, with glutamic acid, which is acidic and polar, at codon 3 of the SDHC protein (p.Ala3Glu). This variant is present in population databases (no rsID available, gnomAD 0.003%). This variant has not been reported in the literature in individuals affected with SDHC-related conditions. ClinVar contains an entry for this variant (Variation ID: 950921). An algorithm developed to predict the effect of missense changes on protein structure and function (PolyPhen-2) suggests that this variant is likely to be disruptive. In summary, the available evidence is currently insufficient to determine the role of this variant in disease. Therefore, it has been classified as a Variant of Uncertain Significance.

Sema4
Classification: Uncertain significance for Hereditary cancer-predisposing syndrome. Last evaluated: 2022-02-04. Review status: criteria provided, single submitter. Criteria: Sema4 Curation Guidelines. Collection method: curation. Allele origin: germline.
Comment: The SDHC c.8C>A (p.A3E) variant has not been reported in the literature to our knowledge. This variant was observed in 1/30614 chromosomes in the South Asian population according to the Genome Aggregation Database (PMID: 32461654). This variant has been reported in ClinVar (Variation ID: 950921). Functional studies have not been performed, and in silico predictions of the variant's effect on protein function are inconclusive. The evidence is insufficient to meet ACMG/AMP criteria for classifying the variant as benign or pathogenic. Thus, the clinical significance of this variant is currently uncertain.

NM_003001.5(SDHC):c.8C>A (p.Ala3Glu)

Gene: SDHC (succinate dehydrogenase complex subunit C; plus strand). Cytogenetic location: 1q23.3.
Variant type: single nucleotide variant.
Coding change: c.8C>A on transcript NM_003001.5 (MANE Select); coding-DNA position 8, C replaced by A.
Protein change: p.Ala3Glu; replaces alanine 3 with glutamic acid.
Molecular consequence: missense variant.
Genome position (GRCh38, 1-based): chr1:161,314,413, C>A. VCF-style: chr1-161314413-C-A. GRCh37 (hg19) VCF-style: chr1-161284203-C-A.
Other names: c.8C>A, p.Ala3Glu (NM_001035511.3, NM_001035512.3, NM_001035513.3 and 6 more transcripts); c.-553C>A (NM_001407119.1); c.-222C>A (NM_001407120.1); short protein forms A3E.
Identifiers: ClinVar variation 950921 (VCV000950921.12), dbSNP rs142139022, ClinGen allele CA343354948.